The following is an entry in ClinVar:

ClinVar aggregate classification (germline): Pathogenic (1 of 4 stars; one submission).

Conditions:
Autosomal recessive polycystic kidney disease (ARPKD). Also called: AR polycystic kidney disease. Identifiers: Orphanet 731, Orphanet 8378, MedGen C0085548, MeSH D017044, MONDO:0009889.

Submission:

Labcorp Genetics (formerly Invitae), Labcorp
Classification: Pathogenic for Autosomal recessive polycystic kidney disease. Last evaluated: 2022-09-10. Review status: criteria provided, single submitter. Criteria: Invitae Variant Classification Sherloc (09022015). Collection method: clinical testing. Allele origin: germline.
Comment: This variant has not been reported in the literature in individuals affected with PKHD1-related conditions. For these reasons, this variant has been classified as Pathogenic. This variant disrupts a region of the PKHD1 protein in which other variant(s) (p.His3124Tyr) have been determined to be pathogenic (PMID: 15108281, 31844813, 32398770). This suggests that this is a clinically significant region of the protein, and that variants that disrupt it are likely to be disease-causing. This variant results in the deletion of exons 56-57 and part of exon 58 (c.8642+360_9429del) of the PKHD1 gene. It is expected to disrupt RNA splicing. Variants that disrupt the donor or acceptor splice site typically lead to a loss of protein function (PMID: 16199547), and loss-of-function variants in PKHD1 are known to be pathogenic (PMID: 19940839).

Literature cited by the submitters: PubMed 15108281; PubMed 31844813; PubMed 32398770; PubMed 16199547; PubMed 19940839.

NC_000006.11:g.(?_51612985)_(51637140_?)del

Gene: PKHD1 (PKHD1 ciliary IPT domain containing fibrocystin/polyductin; minus strand). Cytogenetic location: 6p12.3.
Variant type: Deletion.
Identifiers: ClinVar variation 2427262 (VCV002427262.5).